The following is an entry in ClinVar:

ClinVar aggregate classification (germline): Uncertain significance (1 of 4 stars; one submission).

Conditions:
Charcot-Marie-Tooth disease type 4. Also called: Charcot-Marie-Tooth disease, type IV; Charcot-Marie-Tooth, Type 4. Identifiers: Orphanet 64749, MedGen C4082197, MONDO:0018995.

Submission:

Labcorp Genetics (formerly Invitae), Labcorp
Classification: Uncertain significance for Charcot-Marie-Tooth disease type 4. Last evaluated: 2021-06-13. Review status: criteria provided, single submitter. Criteria: Invitae Variant Classification Sherloc (09022015). Collection method: clinical testing. Allele origin: germline.
Comment: In summary, the available evidence is currently insufficient to determine the role of this variant in disease. Therefore, it has been classified as a Variant of Uncertain Significance. Advanced modeling of protein sequence and biophysical properties (such as structural, functional, and spatial information, amino acid conservation, physicochemical variation, residue mobility, and thermodynamic stability) performed at Invitae indicates that this missense variant is not expected to disrupt SH3TC2 protein function. This variant has not been reported in the literature in individuals with SH3TC2-related conditions. This variant is not present in population databases (ExAC no frequency). This sequence change replaces lysine with arginine at codon 913 of the SH3TC2 protein (p.Lys913Arg). The lysine residue is moderately conserved and there is a small physicochemical difference between lysine and arginine.

NM_024577.4(SH3TC2):c.2738A>G (p.Lys913Arg)

Gene: SH3TC2 (SH3 domain and tetratricopeptide repeats 2; minus strand). Cytogenetic location: 5q32.
Variant type: single nucleotide variant.
Coding change: c.2738A>G on transcript NM_024577.4 (MANE Select); coding-DNA position 2738, A replaced by G.
Protein change: p.Lys913Arg; replaces lysine 913 with arginine.
Molecular consequence: missense variant.
Genome position (GRCh38, 1-based): chr5:149,026,994, T>C on the plus strand (A>G on the coding strand, the complement: SH3TC2 is on the minus strand). VCF-style: chr5-149026994-T-C. GRCh37 (hg19) VCF-style: chr5-148406557-T-C.
Other names: short protein forms K913R.
Identifiers: ClinVar variation 1478013 (VCV001478013.6), dbSNP rs2127397025, ClinGen allele CA361665739.